The following is an entry in ClinVar:

ClinVar aggregate classification (germline): Likely pathogenic (1 of 4 stars; one submission).

Conditions:
Inborn genetic diseases. Identifiers: MedGen C0950123, MeSH D030342.

Submission:

Ambry Genetics
Classification: Likely pathogenic for Inborn genetic diseases. Last evaluated: 2015-02-02. Review status: criteria provided, single submitter. Criteria: Ambry Variant Classification Scheme 2023. Collection method: clinical testing. Allele origin: germline.
Comment: The p.L396R (also known as c.1187T>G) variant is located in coding exon 6 of the SERPING1 gene. This variant results from a T to G substitution at nucleotide position 1187. The leucine at codon 396 is replaced by arginine, an amino acid with dissimilar properties. Structural data analysis indicates the L396 residue resides in a functionally important region and that this alteration would be structurally destabilizing (Beinrohr et al., J Biol Chem. 2007; 282(29):21100-9). This variant was not reported in population-based cohorts in the following databases: Database of Single Nucleotide Polymorphisms (dbSNP), NHLBI Exome Sequencing Project (ESP) and 1000 Genomes Project. This variant was found to cosegregate with disease in 4/4 individuals tested in one of Ambry's internal family studies. This amino acid position is moderately conserved on sequence alignment. In addition, this variant is predicted to be probably damaging by PolyPhen and deleterious by SIFT in silico analyses. Based on the majority of available evidence to date, this variant is likely to be pathogenic.

NM_000062.3(SERPING1):c.1187T>G (p.Leu396Arg)

Gene: SERPING1 (serpin family G member 1; plus strand). Cytogenetic location: 11q12.1.
Variant type: single nucleotide variant.
Coding change: c.1187T>G on transcript NM_000062.3 (MANE Select); coding-DNA position 1187, T replaced by G.
Protein change: p.Leu396Arg; replaces leucine 396 with arginine.
Molecular consequence: missense variant.
Genome position (GRCh38, 1-based): chr11:57,611,874, T>G. VCF-style: chr11-57611874-T-G. GRCh37 (hg19) VCF-style: chr11-57379347-T-G.
Other names: c.1187T>G, p.Leu396Arg (NM_001032295.2); short protein forms L396R.
Identifiers: ClinVar variation 1743852 (VCV001743852.2), dbSNP rs1945480228, ClinGen allele CA380703298.